The following is an entry in ClinVar:

ClinVar aggregate classification (germline): Likely benign. Review status: criteria provided, multiple submitters, no conflicts (2 of 4 stars). 7 submissions from 7 submitters: Likely benign (6). 1 of the submissions does not count toward it. Last evaluated 2026-10-01.

Conditions:
SMAD6-related disease. Also called: SMAD6-related condition; SMAD6-related disorder. Identifiers: MedGen CN381596, MONDO:0700324.
Craniosynostosis 7 (CRS7). Also called: CRANIOSYNOSTOSIS 7, DIGENIC; CRS7, DIGENIC. Identifiers: MedGen C4479496, MONDO:0044315, OMIM 617439.
Aortic valve disease 2 (AOVD2). Identifiers: MedGen C3542024, MONDO:0013902, OMIM 614823.
Inborn genetic diseases. Identifiers: MedGen C0950123, MeSH D030342.

Allele frequency attached by ClinVar (database versions not stated): gnomAD exomes 0.00032; ESP Exome Variant Server 0.00092; TOPMed 0.00108; gnomAD 0.00114 and 0.00123; 1000 Genomes Project 0.00180; 1000 Genomes Project 30x 0.00219; ExAC 0.00466.
gnomAD v4.1: 278 of 1,227,948 alleles (0.023%); highest among the groups gnomAD compares: African/African-American, 0.4%; no homozygotes.

Submissions (7):

CeGaT Center for Human Genetics Tuebingen
Classification: Likely benign. Last evaluated: 2026-10-01. Review status: criteria provided, single submitter. Criteria: CeGaT Center For Human Genetics Tuebingen Variant Classification Criteria Version 2. Collection method: clinical testing. Allele origin: germline. Affected: yes. Observed: 1 variant allele.
Comment: SMAD6: BP4, BP7, BS1

Labcorp Genetics (formerly Invitae), Labcorp
Classification: Likely benign for Aortic valve disease 2. Last evaluated: 2026-01-27. Review status: criteria provided, single submitter. Criteria: Invitae Variant Classification Sherloc (09022015). Collection method: clinical testing. Allele origin: germline.

Women's Health and Genetics/Laboratory Corporation of America, LabCorp
Classification: Likely benign. Last evaluated: 2025-11-14. Review status: criteria provided, single submitter. Criteria: LabCorp Variant Classification Summary - May 2015. Collection method: clinical testing. Allele origin: germline.

Blueprint Genetics
Classification: Likely benign. Last evaluated: 2024-11-06. Review status: criteria provided, single submitter. Criteria: ACMG Guidelines, 2015. Collection method: clinical testing. Allele origin: germline.

Ambry Genetics
Classification: Likely benign for Inborn genetic diseases. Last evaluated: 2022-02-20. Review status: criteria provided, single submitter. Criteria: Ambry Variant Classification Scheme 2023. Collection method: clinical testing. Allele origin: germline.

Fulgent Genetics
Classification: Likely benign for Aortic valve disease 2; Craniosynostosis 7. Last evaluated: 2021-07-07. Review status: criteria provided, single submitter. Criteria: ACMG Guidelines, 2015. Collection method: clinical testing. Allele origin: unknown.

PreventionGenetics, part of Exact Sciences
Classification: Likely benign for SMAD6-related condition. Last evaluated: 2019-03-06. Review status: no assertion criteria provided. Collection method: clinical testing. Allele origin: germline. Not counted in ClinVar's aggregate classification.
Comment: This variant is classified as likely benign based on ACMG/AMP sequence variant interpretation guidelines (Richards et al. 2015 PMID: 25741868, with internal and published modifications).

NM_005585.5(SMAD6):c.336C>A (p.Gly112=)

Gene: SMAD6 (SMAD family member 6; plus strand). Cytogenetic location: 15q22.31.
Variant type: single nucleotide variant.
Coding change: c.336C>A on transcript NM_005585.5 (MANE Select); coding-DNA position 336, C replaced by A.
Protein change: p.Gly112=; no amino-acid change (glycine 112 retained).
Molecular consequence: synonymous variant. On other transcripts: non-coding transcript variant (1).
Genome position (GRCh38, 1-based): chr15:66,703,594, C>A. VCF-style: chr15-66703594-C-A. GRCh37 (hg19) VCF-style: chr15-66995932-C-A.
Identifiers: ClinVar variation 471757 (VCV000471757.18), dbSNP rs371330988, ClinGen allele CA7626455.